The following is an entry in ClinVar:

NM_138459.5(NUS1):c.758T>C (p.Phe253Ser)

Gene: NUS1 (NUS1 dehydrodolichyl diphosphate synthase subunit; plus strand). Cytogenetic location: 6q22.1.
Variant type: single nucleotide variant.
Coding change: c.758T>C on transcript NM_138459.5 (MANE Select); coding-DNA position 758, T replaced by C.
Protein change: p.Phe253Ser; replaces phenylalanine 253 with serine.
Molecular consequence: missense variant.
Genome position (GRCh38, 1-based): chr6:117,703,671, T>C. VCF-style: chr6-117703671-T-C. GRCh37 (hg19) VCF-style: chr6-118024834-T-C.
Other names: short protein forms F253S.
Identifiers: ClinVar variation 1715542 (VCV001715542.5), dbSNP rs2482032210, ClinGen allele CA365537397.

ClinVar aggregate classification (germline): Uncertain significance (1 of 4 stars; one submission).

Conditions:
Congenital disorder of glycosylation, type Iaa. Also called: Congenital disorder of glycosylation, type 1aa. Identifiers: MedGen C4310727, MONDO:0014904, OMIM 617082.

Submission:

Labcorp Genetics (formerly Invitae), Labcorp
Classification: Uncertain significance for Congenital disorder of glycosylation, type Iaa. Last evaluated: 2022-08-10. Review status: criteria provided, single submitter. Criteria: Invitae Variant Classification Sherloc (09022015). Collection method: clinical testing. Allele origin: germline.
Comment: Algorithms developed to predict the effect of missense changes on protein structure and function (SIFT, PolyPhen-2, Align-GVGD) all suggest that this variant is likely to be disruptive. This variant has not been reported in the literature in individuals affected with NUS1-related conditions. This variant is not present in population databases (gnomAD no frequency). This sequence change replaces phenylalanine, which is neutral and non-polar, with serine, which is neutral and polar, at codon 253 of the NUS1 protein (p.Phe253Ser). In summary, the available evidence is currently insufficient to determine the role of this variant in disease. Therefore, it has been classified as a Variant of Uncertain Significance.